The following is an entry in ClinVar:

NM_001458.5(FLNC):c.2305G>T (p.Val769Leu)

Gene: FLNC (filamin C; plus strand). Cytogenetic location: 7q32.1.
Variant type: single nucleotide variant.
Coding change: c.2305G>T on transcript NM_001458.5 (MANE Select); coding-DNA position 2305, G replaced by T.
Protein change: p.Val769Leu; replaces valine 769 with leucine.
Molecular consequence: missense variant.
Genome position (GRCh38, 1-based): chr7:128,842,614, G>T. VCF-style: chr7-128842614-G-T. GRCh37 (hg19) VCF-style: chr7-128482668-G-T.
Other names: c.2305G>T, p.Val769Leu (NM_001127487.2); short protein forms V769L.
Identifiers: ClinVar variation 539371 (VCV000539371.14), dbSNP rs1046022647, ClinGen allele CA166175076.

ClinVar aggregate classification (germline): Conflicting classifications of pathogenicity. Review status: criteria provided, conflicting classifications (1 of 4 stars). 3 submissions from 3 submitters: Uncertain significance (2); Likely benign (1). Last evaluated 2025-09-04.

Conditions:
Cardiovascular phenotype. Identifiers: MedGen CN230736.
Distal myopathy with posterior leg and anterior hand involvement. Also called: WILLIAMS DISTAL MYOPATHY. Identifiers: Orphanet 63273, MedGen C3279722, MONDO:0013550, OMIM 614065.
Myofibrillar myopathy 5. Also called: Filaminopathy (type); FILAMINOPATHY, AUTOSOMAL DOMINANT. Identifiers: Orphanet 171445, MedGen C1836050, MONDO:0012289, OMIM 609524.
Hypertrophic cardiomyopathy 26. Also called: Cardiomyopathy, familial hypertrophic, 26. Identifiers: Orphanet 75249, MedGen C4310749, MONDO:0014883, OMIM 617047.

Allele frequency attached by ClinVar (database versions not stated): gnomAD exomes below 0.00001 and 0.00003; gnomAD 0.00001; TOPMed 0.00003.
gnomAD v4.1: 7 of 1,550,114 alleles (0.00045%); highest among the groups gnomAD compares: Admixed American, 0.0059%; no homozygotes.

Submissions (3):

Ambry Genetics
Classification: Uncertain significance for Cardiovascular phenotype. Last evaluated: 2025-09-04. Review status: criteria provided, single submitter. Criteria: Ambry Variant Classification Scheme 2023. Collection method: clinical testing. Allele origin: germline.
Comment: The p.V769L variant (also known as c.2305G>T), located in coding exon 15 of the FLNC gene, results from a G to T substitution at nucleotide position 2305. The valine at codon 769 is replaced by leucine, an amino acid with highly similar properties. This variant was reported in individual(s) with features consistent with cardiomyopathy (Ambry internal data). This amino acid position is highly conserved in available vertebrate species. In addition, this alteration is predicted to be deleterious by in silico analysis. Based on the available evidence, the clinical significance of this variant remains unclear.

Labcorp Genetics (formerly Invitae), Labcorp
Classification: Likely benign for Distal myopathy with posterior leg and anterior hand involvement; Myofibrillar myopathy 5; Hypertrophic cardiomyopathy 26. Last evaluated: 2025-07-21. Review status: criteria provided, single submitter. Criteria: Invitae Variant Classification Sherloc (09022015). Collection method: clinical testing. Allele origin: germline.

Revvity Omics, Revvity
Classification: Uncertain significance. Last evaluated: 2019-06-26. Review status: criteria provided, single submitter. Criteria: ACMG Guidelines, 2015. Collection method: clinical testing. Allele origin: germline.